The following is an entry in ClinVar:

ClinVar aggregate classification (germline): Benign/Likely benign. Review status: criteria provided, multiple submitters, no conflicts (2 of 4 stars). 3 submissions from 3 submitters: Benign (1); Likely benign (1). 1 of the submissions does not count toward it. Last evaluated 2026-01-28.

Conditions:
ITSN2-related disorder. Also called: ITSN2-related condition.

Allele frequency attached by ClinVar (database versions not stated): 1000 Genomes Project 0.00280; 1000 Genomes Project 30x 0.00297; ExAC 0.00545; ESP Exome Variant Server 0.00677; gnomAD exomes 0.00820.
gnomAD v4.1: 12,687 of 1,612,570 alleles (0.79%); highest among the groups gnomAD compares: Non-Finnish European, 0.95%; 60 homozygotes.

Submissions (8):

Labcorp Genetics (formerly Invitae), Labcorp
Classification: Benign. Last evaluated: 2026-01-28. Review status: criteria provided, single submitter. Criteria: Invitae Variant Classification Sherloc (09022015). Collection method: clinical testing. Allele origin: germline.

CeGaT Center for Human Genetics Tuebingen
Classification: Likely benign. Last evaluated: 2023-08-01. Review status: criteria provided, single submitter. Criteria: CeGaT Center For Human Genetics Tuebingen Variant Classification Criteria Version 2. Collection method: clinical testing. Allele origin: germline. Affected: yes. Observed: 2 variant alleles.
Comment: ITSN2: BS2

PreventionGenetics, part of Exact Sciences
Classification: Likely benign for ITSN2-related condition. Last evaluated: 2019-03-06. Review status: no assertion criteria provided. Collection method: clinical testing. Allele origin: germline. Not counted in ClinVar's aggregate classification.
Comment: This variant is classified as likely benign based on ACMG/AMP sequence variant interpretation guidelines (Richards et al. 2015 PMID: 25741868, with internal and published modifications).

Dr. Peter K. Rogan Lab, Western University
No classification provided (evidence only). Condition: Thyroid cancer, nonmedullary, 1. Review status: no classification provided. Collection method: in vitro. Allele origin: not applicable. Functional consequence: retained intron. Not counted in ClinVar's aggregate classification.

Dr. Peter K. Rogan Lab, Western University
No classification provided (evidence only). Condition: Ovarian serous cystadenocarcinoma. Review status: no classification provided. Collection method: in vitro. Allele origin: not applicable. Functional consequence: retained intron. Not counted in ClinVar's aggregate classification.

Dr. Peter K. Rogan Lab, Western University
No classification provided (evidence only). Condition: Gastric cancer. Review status: no classification provided. Collection method: in vitro. Allele origin: not applicable. Functional consequence: retained intron. Not counted in ClinVar's aggregate classification.

Dr. Peter K. Rogan Lab, Western University
No classification provided (evidence only). Condition: Nonpapillary renal cell carcinoma. Review status: no classification provided. Collection method: in vitro. Allele origin: not applicable. Functional consequence: retained intron. Not counted in ClinVar's aggregate classification.

Dr. Peter K. Rogan Lab, Western University
No classification provided (evidence only). Condition: Familial pancreatic carcinoma. Review status: no classification provided. Collection method: in vitro. Allele origin: not applicable. Functional consequence: retained intron. Not counted in ClinVar's aggregate classification.

NM_006277.3(ITSN2):c.2678G>C (p.Gly893Ala)

Gene: ITSN2 (intersectin 2; minus strand). Cytogenetic location: 2p23.3.
Variant type: single nucleotide variant.
Coding change: c.2678G>C on transcript NM_006277.3 (MANE Select); coding-DNA position 2678, G replaced by C.
Protein change: p.Gly893Ala; replaces glycine 893 with alanine.
Molecular consequence: missense variant.
Genome position (GRCh38, 1-based): chr2:24,261,110, C>G on the plus strand (G>C on the coding strand, the complement: ITSN2 is on the minus strand). VCF-style: chr2-24261110-C-G. GRCh37 (hg19) VCF-style: chr2-24483979-C-G.
Other names: c.2678G>C (NM_006277.2); c.2636G>C, p.Gly879Ala (NM_001348181.2); c.2558G>C, p.Gly853Ala (NM_001348182.2, NM_001348186.2); c.2597G>C, p.Gly866Ala (NM_001348183.2, NM_019595.4); c.2555G>C, p.Gly852Ala (NM_001348184.2); c.2639G>C, p.Gly880Ala (NM_001348185.2); c.2678G>C, p.Gly893Ala (NM_147152.3); short protein forms G853A, G866A, G852A, G893A, G879A, G880A.
Identifiers: ClinVar variation 2039704 (VCV002039704.34), dbSNP rs41281485, ClinGen allele CA1551113.